The following is an entry in ClinVar:

ClinVar aggregate classification (germline): Uncertain significance (1 of 4 stars; one submission).

Conditions:
Ataxia, intention tremor, and hypotonia syndrome, childhood-onset. Identifiers: MedGen C5543478, MONDO:0859158, OMIM 619352.

Submission:

Dasa
Classification: Uncertain significance for Ataxia, intention tremor, and hypotonia syndrome, childhood-onset. Last evaluated: 2026-04-26. Review status: criteria provided, single submitter. Criteria: DASA Assertion Criteria. Collection method: clinical testing. Allele origin: germline.
Comment: NM_006237.4(POU4F1):c.758delinsGCCGTGGT (p.Ala253Glyfs*98) is a frameshift variant in POU4F1 predicted to alter the reading frame and introduce a premature termination codon and is predicted to result in an absent or altered protein product. This variant is rare in population databases. The currently available literature and clinical evidence are not sufficient to establish a definitive association between this variant and the reported condition. Therefore, this variant is classified as a variant of uncertain significance.

NM_006237.4(POU4F1):c.758delinsGCCGTGGT (p.Ala253fs)

Genes: OBI1-AS1 (OBI1 antisense RNA 1; plus strand), POU4F1 (POU class 4 homeobox 1; minus strand). Cytogenetic location: 13q31.1.
Variant type: Indel.
Coding change: c.758delinsGCCGTGGT on transcript NM_006237.4 (MANE Select); coding-DNA position 758, C replaced by GCCGTGGT.
Protein change: p.Ala253fs; shifts the reading frame from alanine 253.
Molecular consequence: frameshift variant.
Genome position (GRCh38, 1-based): chr13:78,601,917, G replaced by ACCACGGC on the plus strand (C replaced by GCCGTGGT on the coding strand, the reverse complement: POU4F1 is on the minus strand). VCF-style: chr13-78601917-G-ACCACGGC. GRCh37 (hg19) VCF-style: chr13-79176052-G-ACCACGGC.
Other names: short protein forms A253fs.
Identifiers: ClinVar variation 4884104 (VCV004884104.2).